The following is an entry in ClinVar:

ClinVar aggregate classification (germline): Uncertain significance. Review status: criteria provided, multiple submitters, no conflicts (2 of 4 stars). 2 submissions from 2 submitters: Uncertain significance (2). Last evaluated 2023-07-07.

Conditions:
Developmental and epileptic encephalopathy, 54. Also called: Epileptic encephalopathy, early infantile, 54; HNRNPU-Related Neurodevelopmental Disorder. Identifiers: MedGen C4479319, MONDO:0033363, OMIM 617391.
Inborn genetic diseases. Identifiers: MedGen C0950123, MeSH D030342.

Allele frequency attached by ClinVar (database versions not stated): gnomAD exomes below 0.00001.
gnomAD v4.1: 2 of 1,602,250 alleles (0.00012%); highest among the groups gnomAD compares: South Asian, 0.0022%; no homozygotes.

Submissions (2):

Labcorp Genetics (formerly Invitae), Labcorp
Classification: Uncertain significance for Developmental and epileptic encephalopathy, 54. Last evaluated: 2023-07-07. Review status: criteria provided, single submitter. Criteria: Invitae Variant Classification Sherloc (09022015). Collection method: clinical testing. Allele origin: germline.
Comment: In summary, the available evidence is currently insufficient to determine the role of this variant in disease. Therefore, it has been classified as a Variant of Uncertain Significance. Advanced modeling of protein sequence and biophysical properties (such as structural, functional, and spatial information, amino acid conservation, physicochemical variation, residue mobility, and thermodynamic stability) performed at Invitae indicates that this missense variant is not expected to disrupt HNRNPU protein function. ClinVar contains an entry for this variant (Variation ID: 1432939). This variant has not been reported in the literature in individuals affected with HNRNPU-related conditions. This variant is not present in population databases (gnomAD no frequency). This sequence change replaces leucine, which is neutral and non-polar, with phenylalanine, which is neutral and non-polar, at codon 306 of the HNRNPU protein (p.Leu306Phe).

Ambry Genetics
Classification: Uncertain significance for Inborn genetic diseases. Last evaluated: 2023-06-30. Review status: criteria provided, single submitter. Criteria: Ambry Variant Classification Scheme 2023. Collection method: clinical testing. Allele origin: germline.

NM_031844.3(HNRNPU):c.916C>T (p.Leu306Phe)

Gene: HNRNPU (heterogeneous nuclear ribonucleoprotein U; minus strand). Cytogenetic location: 1q44.
Variant type: single nucleotide variant.
Coding change: c.916C>T on transcript NM_031844.3 (MANE Select); coding-DNA position 916, C replaced by T.
Protein change: p.Leu306Phe; replaces leucine 306 with phenylalanine.
Molecular consequence: missense variant.
Genome position (GRCh38, 1-based): chr1:244,860,436, G>A on the plus strand (C>T on the coding strand, the complement: HNRNPU is on the minus strand). VCF-style: chr1-244860436-G-A. GRCh37 (hg19) VCF-style: chr1-245023738-G-A.
Other names: c.916C>T (NM_031844.2); c.859C>T, p.Leu287Phe (NM_004501.3); short protein forms L287F, L306F.
Identifiers: ClinVar variation 1432939 (VCV001432939.7), dbSNP rs1447036653, ClinGen allele CA345494329.
Genomic context (GRCh38, chr1:244,860,436, plus strand): 5'-ATGCTCTTCCTCCAGCCCAAAGAAAAGCAAAACTCTCCATTGTAAGGGAAGAAGCACTGA[G>A]ACGATCTCTTGATATTTTAAAATGTAGATCACAATTATCTGTAATTATATCAAATACTGT-3'
Protein context (NP_114032.2, residues 296-316): DLHFKISRDR[Leu306Phe]SASSLTMESF